The following is an entry in ClinVar:

ClinVar aggregate classification (germline): Uncertain significance (1 of 4 stars; one submission).

Conditions:
Bethlem myopathy 1A. Also called: MYOPATHY, BENIGN CONGENITAL, WITH CONTRACTURES; Bethlem Muscular Dystrophy; Bethlem myopathy 1. Identifiers: Orphanet 610, MedGen CN029274, MONDO:0024530, OMIM 158810.

Submission:

Labcorp Genetics (formerly Invitae), Labcorp
Classification: Uncertain significance for Bethlem myopathy 1A. Last evaluated: 2021-10-26. Review status: criteria provided, single submitter. Criteria: Invitae Variant Classification Sherloc (09022015). Collection method: clinical testing. Allele origin: germline.
Comment: This variant has not been reported in the literature in individuals affected with COL6A1-related conditions. This variant is not present in population databases (gnomAD no frequency). This sequence change replaces isoleucine, which is neutral and non-polar, with asparagine, which is neutral and polar, at codon 239 of the COL6A1 protein (p.Ile239Asn). Algorithms developed to predict the effect of missense changes on protein structure and function are either unavailable or do not agree on the potential impact of this missense change (SIFT: "Deleterious"; PolyPhen-2: "Not Available"; Align-GVGD: "Class C0"). In summary, the available evidence is currently insufficient to determine the role of this variant in disease. Therefore, it has been classified as a Variant of Uncertain Significance.

NM_001848.3(COL6A1):c.716T>A (p.Ile239Asn)

Gene: COL6A1 (collagen type VI alpha 1 chain; plus strand). Cytogenetic location: 21q22.3.
Variant type: single nucleotide variant.
Coding change: c.716T>A on transcript NM_001848.3 (MANE Select); coding-DNA position 716, T replaced by A.
Protein change: p.Ile239Asn; replaces isoleucine 239 with asparagine.
Molecular consequence: missense variant.
Genome position (GRCh38, 1-based): chr21:45,987,071, T>A. VCF-style: chr21-45987071-T-A. GRCh37 (hg19) VCF-style: chr21-47406985-T-A.
Other names: short protein forms I239N.
Identifiers: ClinVar variation 1446440 (VCV001446440.6), dbSNP rs2123466789, ClinGen allele CA410519105.